The following is an entry in ClinVar:

ClinVar aggregate classification (germline): Uncertain significance. Review status: criteria provided, multiple submitters, no conflicts (2 of 4 stars). 2 submissions from 2 submitters: Uncertain significance (2). Last evaluated 2023-05-16.

Conditions:
Carnitine palmitoyl transferase 1A deficiency. Also called: Carnitine palmitoyltransferase type I deficiency; CPT I DEFICIENCY; CPT DEFICIENCY, HEPATIC, TYPE I; Carnitine palmitoyltransferase 1A deficiency; CPT deficiency, hepatic, type IA. Identifiers: Orphanet 156, MedGen C1829703, MONDO:0009705, OMIM 255120.
Inborn genetic diseases. Identifiers: MedGen C0950123, MeSH D030342.

Allele frequency attached by ClinVar (database versions not stated): ExAC 0.00002; gnomAD 0.00002; TOPMed 0.00003; gnomAD exomes 0.00004; ESP Exome Variant Server 0.00008.

Submissions (2):

Ambry Genetics
Classification: Uncertain significance for Inborn genetic diseases. Last evaluated: 2023-05-16. Review status: criteria provided, single submitter. Criteria: Ambry Variant Classification Scheme 2023. Collection method: clinical testing. Allele origin: germline.

Labcorp Genetics (formerly Invitae), Labcorp
Classification: Uncertain significance for Carnitine palmitoyl transferase 1A deficiency. Last evaluated: 2022-05-20. Review status: criteria provided, single submitter. Criteria: Invitae Variant Classification Sherloc (09022015). Collection method: clinical testing. Allele origin: germline.
Comment: This sequence change replaces methionine, which is neutral and non-polar, with valine, which is neutral and non-polar, at codon 153 of the CPT1A protein (p.Met153Val). This variant is present in population databases (rs368873316, gnomAD 0.004%). This variant has not been reported in the literature in individuals affected with CPT1A-related conditions. Algorithms developed to predict the effect of missense changes on protein structure and function output the following: SIFT: "Tolerated"; PolyPhen-2: "Benign"; Align-GVGD: "Class C0". The valine amino acid residue is found in multiple mammalian species, which suggests that this missense change does not adversely affect protein function. In summary, the available evidence is currently insufficient to determine the role of this variant in disease. Therefore, it has been classified as a Variant of Uncertain Significance.

NM_001876.4(CPT1A):c.457A>G (p.Met153Val)

Gene: CPT1A (carnitine palmitoyltransferase 1A; minus strand). Cytogenetic location: 11q13.3.
Variant type: single nucleotide variant.
Coding change: c.457A>G on transcript NM_001876.4 (MANE Select); coding-DNA position 457, A replaced by G.
Protein change: p.Met153Val; replaces methionine 153 with valine.
Molecular consequence: missense variant.
Genome position (GRCh38, 1-based): chr11:68,804,098, T>C on the plus strand (A>G on the coding strand, the complement: CPT1A is on the minus strand). VCF-style: chr11-68804098-T-C. GRCh37 (hg19) VCF-style: chr11-68571566-T-C.
Other names: c.457A>G, p.Met153Val (NM_001031847.3); c.457A>G (NM_001876.3); short protein forms M153V.
Identifiers: ClinVar variation 2201879 (VCV002201879.3), dbSNP rs368873316, ClinGen allele CA6152652.
Genomic context (GRCh38, chr11:68,804,098, plus strand): 5'-GAGGCAGCGATGTCTGGAAGCTGTACAACATGGGTTTTCGGCCTGAAAAGATCTTGACCA[T>C]ACCCTGAAGAGAGAGAATTATATTTTCAGACTACTGCCATACTACTCTGAAGGCACCTGT-3'
Protein context (NP_001867.2, residues 143-163): MSRATKIWMG[Met153Val]VKIFSGRKPM